The following is an entry in ClinVar:

ClinVar aggregate classification (germline): Likely benign. Review status: criteria provided, multiple submitters, no conflicts (2 of 4 stars). 2 submissions from 2 submitters: Likely benign (2). Last evaluated 2026-02-17.

Conditions:
DUOX2-related disorder. Also called: DUOX2-related condition.

gnomAD v4.1: 109 of 1,614,176 alleles (0.0068%); highest among the groups gnomAD compares: South Asian, 0.12%; 4 homozygotes.

Submissions (2):

PreventionGenetics, part of Exact Sciences
Classification: Likely benign for DUOX2-related condition. Last evaluated: 2026-02-17. Review status: criteria provided, single submitter. Criteria: ACMG Guidelines, 2015. Collection method: clinical testing. Allele origin: germline.
Comment: This variant is classified as likely benign based on ACMG/AMP sequence variant interpretation guidelines (Richards et al. 2015 PMID: 25741868, with internal and published modifications).

Labcorp Genetics (formerly Invitae), Labcorp
Classification: Likely benign. Last evaluated: 2024-05-20. Review status: criteria provided, single submitter. Criteria: Invitae Variant Classification Sherloc (09022015). Collection method: clinical testing. Allele origin: germline.

NM_001363711.2(DUOX2):c.2703C>G (p.Ala901=)

Gene: DUOX2 (dual oxidase 2; minus strand). Cytogenetic location: 15q21.1.
Variant type: single nucleotide variant.
Coding change: c.2703C>G on transcript NM_001363711.2 (MANE Select); coding-DNA position 2703, C replaced by G.
Protein change: p.Ala901=; no amino-acid change (alanine 901 retained).
Molecular consequence: synonymous variant.
Genome position (GRCh38, 1-based): chr15:45,101,941, G>C on the plus strand (C>G on the coding strand, the complement: DUOX2 is on the minus strand). VCF-style: chr15-45101941-G-C. GRCh37 (hg19) VCF-style: chr15-45394139-G-C.
Other names: c.2703C>G, p.Ala901= (NM_014080.5); c.2703C>G (NM_014080.4).
Identifiers: ClinVar variation 1138866 (VCV001138866.10), dbSNP rs149413147, ClinGen allele CA7538169.
Genomic context (GRCh38, chr15:45,101,941, plus strand): 5'-CCATGTCAGCTCCTCCTTGTCCTGGAATCCCGACTCCCGGAACATAGACTCCACCACCTC[G>C]GCCAGCTGGGCCTTGGACAGGCAGTTGTTGGAGATCTCGATGAAGGATCTGGAGGAGGAC-3'
Protein context (NP_001350640.1, residues 891-911): SNNCLSKAQL[Ala901=]EVVESMFRES